The following is an entry in ClinVar:

ClinVar aggregate classification (germline): Uncertain significance (1 of 4 stars; one submission).

Submission:

Labcorp Genetics (formerly Invitae), Labcorp
Classification: Uncertain significance. Last evaluated: 2021-09-03. Review status: criteria provided, single submitter. Criteria: Invitae Variant Classification Sherloc (09022015). Collection method: clinical testing. Allele origin: germline.
Comment: This sequence change replaces asparagine with histidine at codon 1387 of the TUBGCP6 protein (p.Asn1387His). The asparagine residue is weakly conserved and there is a small physicochemical difference between asparagine and histidine. This variant is not present in population databases (ExAC no frequency). This variant has not been reported in the literature in individuals affected with TUBGCP6-related conditions. Algorithms developed to predict the effect of missense changes on protein structure and function output the following: SIFT: "Tolerated"; PolyPhen-2: "Benign"; Align-GVGD: "Class C0". The histidine amino acid residue is found in multiple mammalian species, which suggests that this missense change does not adversely affect protein function. In summary, the available evidence is currently insufficient to determine the role of this variant in disease. Therefore, it has been classified as a Variant of Uncertain Significance.

NM_020461.4(TUBGCP6):c.4159A>C (p.Asn1387His)

Gene: TUBGCP6 (tubulin gamma complex component 6; minus strand). Cytogenetic location: 22q13.33.
Variant type: single nucleotide variant.
Coding change: c.4159A>C on transcript NM_020461.4 (MANE Select); coding-DNA position 4159, A replaced by C.
Protein change: p.Asn1387His; replaces asparagine 1387 with histidine.
Molecular consequence: missense variant.
Genome position (GRCh38, 1-based): chr22:50,219,965, T>G on the plus strand (A>C on the coding strand, the complement: TUBGCP6 is on the minus strand). VCF-style: chr22-50219965-T-G. GRCh37 (hg19) VCF-style: chr22-50658394-T-G.
Other names: short protein forms N1387H.
Identifiers: ClinVar variation 1379403 (VCV001379403.6), dbSNP rs1602506659, ClinGen allele CA412176271.